The following is an entry in ClinVar:

NM_001130009.3(GEN1):c.711G>T (p.Arg237Ser)

Gene: GEN1 (GEN1 Holliday junction 5' flap endonuclease; plus strand). Cytogenetic location: 2p24.2.
Variant type: single nucleotide variant.
Coding change: c.711G>T on transcript NM_001130009.3 (MANE Select); coding-DNA position 711, G replaced by T.
Protein change: p.Arg237Ser; replaces arginine 237 with serine.
Molecular consequence: missense variant.
Genome position (GRCh38, 1-based): chr2:17,771,196, G>T. VCF-style: chr2-17771196-G-T. GRCh37 (hg19) VCF-style: chr2-17952463-G-T.
Other names: c.711G>T, p.Arg237Ser (NM_182625.5); short protein forms R237S.
Identifiers: ClinVar variation 4029209 (VCV004029209.1).

ClinVar aggregate classification (germline): Uncertain significance (1 of 4 stars; one submission).

Submission:

Ambry Genetics
Classification: Uncertain significance. Last evaluated: 2025-04-06. Review status: criteria provided, single submitter. Criteria: Ambry Variant Classification Scheme 2023. Collection method: clinical testing. Allele origin: germline.
Comment: The p.R237S variant (also known as c.711G>T) is located in coding exon 6 of the GEN1 gene. The arginine at codon 237 is replaced by serine, an amino acid with dissimilar properties. This change occurs in the first base pair of coding exon 6. This amino acid position is conserved. In addition, the in silico prediction for this alteration is inconclusive. Based on the available evidence, the clinical significance of this variant remains unclear.